The following is an entry in ClinVar:

ClinVar aggregate classification (germline): Uncertain significance. Review status: criteria provided, multiple submitters, no conflicts (2 of 4 stars). 3 submissions from 3 submitters: Uncertain significance (3). Last evaluated 2025-08-01.

Conditions:
Developmental delay with variable intellectual impairment and behavioral abnormalities. Identifiers: MedGen C5193092, MONDO:0032745, OMIM 618430.

Allele frequency attached by ClinVar (database versions not stated): gnomAD 0.00003; TOPMed 0.00003; gnomAD exomes 0.00006; ExAC 0.00007; ESP Exome Variant Server 0.00031.
gnomAD v4.1: 97 of 1,613,990 alleles (0.006%); highest among the groups gnomAD compares: Non-Finnish European, 0.0078%; no homozygotes.

Submissions (3):

CeGaT Center for Human Genetics Tuebingen
Classification: Uncertain significance. Last evaluated: 2025-08-01. Review status: criteria provided, single submitter. Criteria: CeGaT Center For Human Genetics Tuebingen Variant Classification Criteria Version 2. Collection method: clinical testing. Allele origin: germline. Affected: yes. Observed: 1 variant allele.

Labcorp Genetics (formerly Invitae), Labcorp
Classification: Uncertain significance. Last evaluated: 2024-01-17. Review status: criteria provided, single submitter. Criteria: Invitae Variant Classification Sherloc (09022015). Collection method: clinical testing. Allele origin: germline.
Comment: This sequence change replaces tyrosine, which is neutral and polar, with histidine, which is basic and polar, at codon 1090 of the TCF20 protein (p.Tyr1090His). This variant is present in population databases (rs149917963, gnomAD 0.009%). This variant has not been reported in the literature in individuals affected with TCF20-related conditions. ClinVar contains an entry for this variant (Variation ID: 2437001). An algorithm developed to predict the effect of missense changes on protein structure and function (PolyPhen-2) suggests that this variant is likely to be disruptive. In summary, the available evidence is currently insufficient to determine the role of this variant in disease. Therefore, it has been classified as a Variant of Uncertain Significance.

Revvity Omics, Revvity
Classification: Uncertain significance for Developmental delay with variable intellectual impairment and behavioral abnormalities. Last evaluated: 2020-06-22. Review status: criteria provided, single submitter. Criteria: ACMG Guidelines, 2015. Collection method: clinical testing. Allele origin: germline.

NM_001378418.1(TCF20):c.3268T>C (p.Tyr1090His)

Gene: TCF20 (transcription factor 20; minus strand). Cytogenetic location: 22q13.2.
Variant type: single nucleotide variant.
Coding change: c.3268T>C on transcript NM_001378418.1 (MANE Select); coding-DNA position 3268, T replaced by C.
Protein change: p.Tyr1090His; replaces tyrosine 1090 with histidine.
Molecular consequence: missense variant.
Genome position (GRCh38, 1-based): chr22:42,212,038, A>G on the plus strand (T>C on the coding strand, the complement: TCF20 is on the minus strand). VCF-style: chr22-42212038-A-G. GRCh37 (hg19) VCF-style: chr22-42608044-A-G.
Other names: c.3268T>C, p.Tyr1090His (NM_005650.4, NM_181492.3); short protein forms Y1090H.
Identifiers: ClinVar variation 2437001 (VCV002437001.14), dbSNP rs149917963, ClinGen allele CA10266859.